The following is an entry in ClinVar:

NM_017636.4(TRPM4):c.1955C>T (p.Ala652Val)

Gene: TRPM4 (transient receptor potential cation channel subfamily M member 4; plus strand). Cytogenetic location: 19q13.33.
Variant type: single nucleotide variant.
Coding change: c.1955C>T on transcript NM_017636.4 (MANE Select); coding-DNA position 1955, C replaced by T.
Protein change: p.Ala652Val; replaces alanine 652 with valine.
Molecular consequence: missense variant.
Genome position (GRCh38, 1-based): chr19:49,189,027, C>T. VCF-style: chr19-49189027-C-T. GRCh37 (hg19) VCF-style: chr19-49692284-C-T.
Other names: c.1955C>T, p.Ala652Val (NM_001195227.2); c.1610C>T, p.Ala537Val (NM_001321281.2); c.347C>T, p.Ala116Val (NM_001321282.2); c.1433C>T, p.Ala478Val (NM_001321283.2); c.893C>T, p.Ala298Val (NM_001321285.2); c.1955C>T (NM_017636.3); short protein forms A116V, A298V, A478V, A537V, A652V.
Identifiers: ClinVar variation 3726596 (VCV003726596.3).

ClinVar aggregate classification (germline): Uncertain significance. Review status: criteria provided, multiple submitters, no conflicts (2 of 4 stars). 2 submissions from 2 submitters: Uncertain significance (2). Last evaluated 2025-12-03.

Conditions:
Cardiovascular phenotype. Identifiers: MedGen CN230736.
Progressive familial heart block type IB (PFHB1B). Identifiers: Orphanet 871, MedGen C1970298, MONDO:0011474, OMIM 604559.

Submissions (2):

Labcorp Genetics (formerly Invitae), Labcorp
Classification: Uncertain significance for Progressive familial heart block type IB. Last evaluated: 2025-12-03. Review status: criteria provided, single submitter. Criteria: Invitae Variant Classification Sherloc (09022015). Collection method: clinical testing. Allele origin: germline.
Comment: This sequence change replaces alanine, which is neutral and non-polar, with valine, which is neutral and non-polar, at codon 652 of the TRPM4 protein (p.Ala652Val). This variant is not present in population databases (gnomAD no frequency). This variant has not been reported in the literature in individuals affected with TRPM4-related conditions. ClinVar contains an entry for this variant (Variation ID: 3726596). An algorithm developed to predict the effect of missense changes on protein structure and function (PolyPhen-2) suggests that this variant is likely to be tolerated. In summary, the available evidence is currently insufficient to determine the role of this variant in disease. Therefore, it has been classified as a Variant of Uncertain Significance.

Ambry Genetics
Classification: Uncertain significance for Cardiovascular phenotype. Last evaluated: 2025-08-24. Review status: criteria provided, single submitter. Criteria: Ambry Variant Classification Scheme 2023. Collection method: clinical testing. Allele origin: germline.